The following is an entry in ClinVar:

ClinVar aggregate classification (germline): Conflicting classifications of pathogenicity. Review status: criteria provided, conflicting classifications (1 of 4 stars). 9 submissions from 8 submitters: Likely pathogenic (2); Uncertain significance (6). 1 of the submissions does not count toward it. Last evaluated 2026-09-22.

Conditions:
Optic atrophy. Identifiers: MedGen C0029124, MONDO:0003608, HP:0000648.
RDH12-related disorder. Also called: RDH12-related disorders; RDH12-related condition.
Retinal dystrophy. Also called: Inherited retinal dystrophy. Identifiers: Orphanet 71862, MedGen C0854723, MeSH D058499, MONDO:0019118, HP:0000556.
Retinitis Pigmentosa, Recessive.
Leber congenital amaurosis 13 (LCA13). Identifiers: MedGen C2675186, MONDO:0012990, OMIM 612712.

Allele frequency attached by ClinVar (database versions not stated): ExAC 0.00002; gnomAD 0.00003.
gnomAD v4.1: 28 of 1,614,028 alleles (0.0017%); highest among the groups gnomAD compares: Middle Eastern, 0.016%; no homozygotes.

Submissions (9):

PreventionGenetics, part of Exact Sciences
Classification: Likely pathogenic for RDH12-related condition. Last evaluated: 2026-09-22. Review status: criteria provided, single submitter. Criteria: ACMG Guidelines, 2015. Collection method: clinical testing. Allele origin: germline.
Comment: The RDH12 c.194G>A variant is predicted to result in the amino acid substitution p.Arg65Gln. This variant has been reported in a cohort study of retinal disease and in an individual with RDH12-associated Leber congenital amaurosis (Table S1, Karali et al. 2022. PubMed ID: 36460718; Aleman et al. 2024. PubMed ID: 39693083). This variant is present in 0.0040% of alleles in individuals of African descent in gnomAD. This variant is interpreted as likely pathogenic.

Blueprint Genetics
Classification: Likely pathogenic for RDH12-related disorders. Last evaluated: 2024-11-22. Review status: criteria provided, single submitter. Criteria: ACMG Guidelines, 2015. Collection method: clinical testing. Allele origin: germline. Affected: yes. Observed: 5 variant alleles.

Women's Health and Genetics/Laboratory Corporation of America, LabCorp
Classification: Uncertain significance. Last evaluated: 2024-04-25. Review status: criteria provided, single submitter. Criteria: LabCorp Variant Classification Summary - May 2015. Collection method: clinical testing. Allele origin: germline.
Comment: Variant summary: RDH12 c.194G>A (p.Arg65Gln) results in a conservative amino acid change in the encoded protein sequence. Four of five in-silico tools predict a damaging effect of the variant on protein function. The variant allele was found at a frequency of 1.6e-05 in 251484 control chromosomes. The available data on variant occurrences in the general population are insufficient to allow any conclusion about variant significance. c.194G>A has been reported in the literature in unspecified individuals affected with Inherited retinal disorde, without strong evidence for causality (Karali_2022). These report(s) do not provide unequivocal conclusions about association of the variant with Leber Congenital Amaurosis. To our knowledge, no experimental evidence demonstrating an impact on protein function has been reported. The following publication have been ascertained in the context of this evaluation (PMID: 36460718). ClinVar contains an entry for this variant (Variation ID: 805927). Based on the evidence outlined above, the variant was classified as uncertain significance.

Institute of Human Genetics, Univ. Regensburg, Univ. Regensburg
Classification: Uncertain significance for Optic atrophy. Last evaluated: 2023-01-01. Review status: criteria provided, single submitter. Criteria: ACMG Guidelines, 2015. Collection method: clinical testing. Allele origin: germline. Affected: yes.

Institute of Human Genetics, Univ. Regensburg, Univ. Regensburg
Classification: Uncertain significance for Retinal dystrophy. Last evaluated: 2023-01-01. Review status: criteria provided, single submitter. Criteria: ACMG Guidelines, 2015. Collection method: clinical testing. Allele origin: germline. Affected: yes.

Labcorp Genetics (formerly Invitae), Labcorp
Classification: Uncertain significance for Leber congenital amaurosis 13. Last evaluated: 2020-02-08. Review status: criteria provided, single submitter. Criteria: Invitae Variant Classification Sherloc (09022015). Collection method: clinical testing. Allele origin: germline.
Comment: This sequence change replaces arginine with glutamine at codon 65 of the RDH12 protein (p.Arg65Gln). The arginine residue is highly conserved and there is a small physicochemical difference between arginine and glutamine. This variant is present in population databases (rs745471670, ExAC 0.006%). This variant has been observed in heterozygous form in individual(s) with retinal dystrophy, however it did not segregate with disease in related individuals (PMID: 16269441) Algorithms developed to predict the effect of missense changes on protein structure and function are either unavailable or do not agree on the potential impact of this missense change (SIFT: "Deleterious"; PolyPhen-2: "Possibly Damaging"; Align-GVGD: "Class C0"). In summary, the available evidence is currently insufficient to determine the role of this variant in disease. Therefore, it has been classified as a Variant of Uncertain Significance.

Illumina Laboratory Services, Illumina
Classification: Uncertain significance for Retinitis Pigmentosa, Recessive. Last evaluated: 2017-04-27. Review status: criteria provided, single submitter. Criteria: ICSL Variant Classification Criteria 13 December 2019. Collection method: clinical testing. Allele origin: germline.
Comment: This variant was observed as part of a predisposition screen in an ostensibly healthy population. A literature search was performed for the gene, cDNA change, and amino acid change (where applicable). Publications were found based on this search. However, the evidence from the literature, in combination with allele frequency data from public databases where available, was not sufficient to rule this variant in or out of causing disease. Therefore, this variant is classified as a variant of unknown significance.

3billion
Classification: Uncertain significance for Leber congenital amaurosis 13. Review status: criteria provided, single submitter. Criteria: ACMG Guidelines, 2015. Collection method: clinical testing. Allele origin: unknown. Affected: yes. Observed: 1 heterozygote.
Comment: The variant is observed at an extremely low frequency in the gnomAD v2.1.1 dataset (total allele frequency: 0.002%). The variant is in trans with the other variant. In silico tool predictions suggest damaging effect of the variant on gene or gene product (REVEL: 0.78; 3Cnet: 0.65). Therefore, this variant is classified as Uncertain significance according to the recommendation of ACMG/AMP guideline.

Ocular Genomics Institute, Massachusetts Eye and Ear
Classification: Uncertain significance for Leber congenital amaurosis 13. Last evaluated: 2019-08-01. Review status: no assertion criteria provided. Collection method: clinical testing. Allele origin: germline. Affected: yes. Observed: 1 variant allele. Not counted in ClinVar's aggregate classification.

Literature cited by the submitters: PubMed 36460718 (cited by Women's Health and Genetics/Laboratory Corporation of America, LabCorp and Institute of Human Genetics, Univ. Regensburg, Univ. Regensburg); PubMed 16269441 (cited by Labcorp Genetics (formerly Invitae), Labcorp and Illumina Laboratory Services, Illumina).

NM_152443.3(RDH12):c.194G>A (p.Arg65Gln)

Genes: GPHN (gephyrin; plus strand), RDH12 (retinol dehydrogenase 12; plus strand). Cytogenetic location: 14q24.1.
Variant type: single nucleotide variant.
Coding change: c.194G>A on transcript NM_152443.3 (MANE Select); coding-DNA position 194, G replaced by A.
Protein change: p.Arg65Gln; replaces arginine 65 with glutamine.
Molecular consequence: missense variant.
Genome position (GRCh38, 1-based): chr14:67,725,105, G>A. VCF-style: chr14-67725105-G-A. GRCh37 (hg19) VCF-style: chr14-68191822-G-A.
Other names: short protein forms R65Q.
Identifiers: ClinVar variation 805927 (VCV000805927.11), dbSNP rs745471670, ClinGen allele CA7238644.